The following is an entry in ClinVar:

ClinVar aggregate classification (germline): Uncertain significance. Review status: criteria provided, multiple submitters, no conflicts (2 of 4 stars). 2 submissions from 2 submitters: Uncertain significance (2). Last evaluated 2024-06-17.

Conditions:
Cardiomyopathy (CMYO). Also called: Cardiomyopathies. Identifiers: Orphanet 167848, MedGen C0878544, MONDO:0004994, HP:0001638. Inheritance: Various modes of inheritance.
Hypertrophic cardiomyopathy. Also called: HYPERTROPHIC MYOCARDIOPATHY. Identifiers: Orphanet 217569, MedGen C0007194, MeSH D002312, MONDO:0005045, HP:0001639.

Submissions (2):

All of Us Research Program, National Institutes of Health
Classification: Uncertain significance for Cardiomyopathy. Last evaluated: 2024-06-17. Review status: criteria provided, single submitter. Criteria: ACMG Guidelines, 2015. Collection method: clinical testing. Allele origin: germline. Inheritance: Autosomal dominant inheritance. Observed: 1 variant allele, 1 heterozygote.
Comment: This missense variant replaces aspartic acid with glycine at codon 461 of the MYH7 protein. This variant is found within a highly conserved region of the myosin head domain. Missense variants in this region have been shown to be significantly overrepresented in individuals with affected with hypertrophic cardiomyopathy (PMID: 27532257). Computational prediction tools indicate that this variant has a deleterious impact on protein structure and function. To our knowledge, functional studies have not been reported for this variant. This variant has not been reported in individuals affected with MYH7-related disorders in the literature. This variant has not been identified in the general population by the Genome Aggregation Database (gnomAD). The available evidence is insufficient to determine the role of this variant in disease conclusively. Therefore, this variant is classified as a Variant of Uncertain Significance.

This study involves interpretation of variants in research participants for the purpose of population health screening. Participant phenotype was not available at the time of variant classification. Additional details can be found in publication PMID: 35346344, PMCID: PMC8962531

Labcorp Genetics (formerly Invitae), Labcorp
Classification: Uncertain significance for Hypertrophic cardiomyopathy. Last evaluated: 2022-03-20. Review status: criteria provided, single submitter. Criteria: Invitae Variant Classification Sherloc (09022015). Collection method: clinical testing. Allele origin: germline.
Comment: This sequence change replaces aspartic acid, which is acidic and polar, with glycine, which is neutral and non-polar, at codon 461 of the MYH7 protein (p.Asp461Gly). This variant is not present in population databases (gnomAD no frequency). This variant is found within a region of MYH7 between codons 181 and 937 that contains the majority of the myosin head domain. Missense variants in this region have been shown to be significantly overrepresented in individuals with hypertrophic cardiomyopathy (PMID: 27532257). In summary, the available evidence is currently insufficient to determine the role of this variant in disease. Therefore, it has been classified as a Variant of Uncertain Significance. Algorithms developed to predict the effect of missense changes on protein structure and function are either unavailable or do not agree on the potential impact of this missense change (SIFT: "Deleterious"; PolyPhen-2: "Probably Damaging"; Align-GVGD: "Class C0"). This variant has not been reported in the literature in individuals affected with MYH7-related conditions.

Literature cited by the submitters: PubMed 27532257 (cited by All of Us Research Program, National Institutes of Health and Labcorp Genetics (formerly Invitae), Labcorp).

NM_000257.4(MYH7):c.1382A>G (p.Asp461Gly)

Gene: MYH7 (myosin heavy chain 7; minus strand). Cytogenetic location: 14q11.2.
Variant type: single nucleotide variant.
Coding change: c.1382A>G on transcript NM_000257.4 (MANE Select); coding-DNA position 1382, A replaced by G.
Protein change: p.Asp461Gly; replaces aspartic acid 461 with glycine.
Molecular consequence: missense variant.
Genome position (GRCh38, 1-based): chr14:23,428,980, T>C on the plus strand (A>G on the coding strand, the complement: MYH7 is on the minus strand). VCF-style: chr14-23428980-T-C. GRCh37 (hg19) VCF-style: chr14-23898189-T-C.
Other names: c.1382A>G, p.Asp461Gly (NM_001407004.1); short protein forms D461G.
Identifiers: ClinVar variation 2114780 (VCV002114780.5), dbSNP rs2502301895, ClinGen allele CA389050743.
Genomic context (GRCh38, chr14:23,428,980, plus strand): 5'-TGATTGTTCTCCCACTCCCAGGGGTCCCAACTCACATCGAAGATCTCGAAGCCAGCGATG[T>C]CCAGGACTCCTATGAAGTACTGGCGTGGCTGCTTGGTCTCCAGGGTGGCATTGATGCGCG-3'
Protein context (NP_000248.2, residues 451-471): QPRQYFIGVL[Asp461Gly]IAGFEIFDFN